The following is an entry in ClinVar:

ClinVar aggregate classification (germline): Uncertain significance (1 of 4 stars; one submission).

Conditions:
Werner syndrome (WRN). Identifiers: Orphanet 902, MedGen C0043119, MONDO:0010196, OMIM 277700.

Submission:

Labcorp Genetics (formerly Invitae), Labcorp
Classification: Uncertain significance for Werner syndrome. Last evaluated: 2021-09-22. Review status: criteria provided, single submitter. Criteria: Invitae Variant Classification Sherloc (09022015). Collection method: clinical testing. Allele origin: germline.
Comment: This sequence change replaces leucine with proline at codon 180 of the WRN protein (p.Leu180Pro). The leucine residue is highly conserved and there is a moderate physicochemical difference between leucine and proline. This variant is not present in population databases (ExAC no frequency). This variant has not been reported in the literature in individuals affected with WRN-related conditions. ClinVar contains an entry for this variant (Variation ID: 941461). Algorithms developed to predict the effect of missense changes on protein structure and function are either unavailable or do not agree on the potential impact of this missense change (SIFT: "Not Available"; PolyPhen-2: "Probably Damaging"; Align-GVGD: "Not Available"). In summary, the available evidence is currently insufficient to determine the role of this variant in disease. Therefore, it has been classified as a Variant of Uncertain Significance.

NM_000553.6(WRN):c.539T>C (p.Leu180Pro)

Gene: WRN (WRN RecQ like helicase; plus strand). Cytogenetic location: 8p12.
Variant type: single nucleotide variant.
Coding change: c.539T>C on transcript NM_000553.6 (MANE Select); coding-DNA position 539, T replaced by C.
Protein change: p.Leu180Pro; replaces leucine 180 with proline.
Molecular consequence: missense variant.
Genome position (GRCh38, 1-based): chr8:31,067,067, T>C. VCF-style: chr8-31067067-T-C. GRCh37 (hg19) VCF-style: chr8-30924583-T-C.
Other names: short protein forms L180P.
Identifiers: ClinVar variation 941461 (VCV000941461.4), dbSNP rs1812735428, ClinGen allele CA370915974.